The following is an entry in ClinVar:

ClinVar aggregate classification (germline): Likely pathogenic (1 of 4 stars; one submission).

Conditions:
Medium-chain acyl-coenzyme A dehydrogenase deficiency (ACADMD). Also called: MCAD Deficiency; ACADM DEFICIENCY; CARNITINE DEFICIENCY SECONDARY TO MEDIUM-CHAIN ACYL-CoA DEHYDROGENASE DEFICIENCY; MCADH DEFICIENCY; MCADD; Medium chain acyl-CoA dehydrogenase deficiency. Identifiers: Orphanet 42, MedGen C0220710, MONDO:0008721, OMIM 201450.

Submission:

Women's Health and Genetics/Laboratory Corporation of America, LabCorp
Classification: Likely pathogenic for Medium-chain acyl-coenzyme A dehydrogenase deficiency. Last evaluated: 2017-08-22. Review status: criteria provided, single submitter. Criteria: LabCorp Variant Classification Summary - May 2015. Collection method: clinical testing. Allele origin: germline.
Comment: Variant summary: The ACADM c.913G>T (p.Glu305X) variant results in a premature termination codon, predicted to cause a truncated or absent ACADM protein due to nonsense mediated decay, which are commonly known mechanisms for disease. Truncations downstream of this position have been classified as pathogenic by our laboratory (e.g. c.1114dupG, p.Ala372fsX11). One in silico tool predicts a damaging outcome for this variant. This variant is absent in 107926 control chromosomes. The variant of interest has not, to our knowledge, been reported in affected individuals via publications and/or reputable databases/clinical diagnostic laboratories; nor evaluated for functional impact by in vivo/vitro studies. Taken together, this variant is classified as likely pathogenic.

NM_000016.6(ACADM):c.913G>T (p.Glu305Ter)

Gene: ACADM (acyl-CoA dehydrogenase medium chain; plus strand). Cytogenetic location: 1p31.1.
Variant type: single nucleotide variant.
Coding change: c.913G>T on transcript NM_000016.6 (MANE Select); coding-DNA position 913, G replaced by T.
Protein change: p.Glu305Ter; replaces glutamic acid 305 with a stop codon.
Molecular consequence: nonsense.
Genome position (GRCh38, 1-based): chr1:75,750,514, G>T. VCF-style: chr1-75750514-G-T. GRCh37 (hg19) VCF-style: chr1-76216199-G-T.
Other names: c.925G>T, p.Glu309Ter (NM_001127328.3); c.805G>T, p.Glu269Ter (NM_001286042.2); c.1012G>T, p.Glu338Ter (NM_001286043.2); c.346G>T, p.Glu116Ter (NM_001286044.2); short protein forms E305*, E116*, E269*, E309*, E338*.
Identifiers: ClinVar variation 495344 (VCV000495344.1), dbSNP rs1215335509, ClinGen allele CA340817122.